The following is an entry in ClinVar:

ClinVar aggregate classification (germline): Uncertain significance (1 of 4 stars; one submission).

Conditions:
Neuronopathy, distal hereditary motor, autosomal recessive 4. Also called: NEUROPATHY, DISTAL HEREDITARY MOTOR, AUTOSOMAL RECESSIVE 4; Autosomal recessive lower motor neuron disease with childhood onset. Identifiers: Orphanet 206580, MedGen C1970211, MONDO:0012608, OMIM 611067.
Charcot-Marie-Tooth disease recessive intermediate C. Also called: CHARCOT-MARIE-TOOTH NEUROPATHY, RECESSIVE INTERMEDIATE C. Identifiers: Orphanet 369867, MedGen C3809309, MONDO:0014154, OMIM 615376.

Allele frequency attached by ClinVar (database versions not stated): TOPMed below 0.00001; gnomAD 0.00001.
gnomAD v4.1: 2 of 1,613,512 alleles (0.00012%); highest among the groups gnomAD compares: Non-Finnish European, 0.00017%; no homozygotes.

Submission:

Labcorp Genetics (formerly Invitae), Labcorp
Classification: Uncertain significance for Neuronopathy, distal hereditary motor, autosomal recessive 4; Charcot-Marie-Tooth disease recessive intermediate C. Last evaluated: 2020-09-15. Review status: criteria provided, single submitter. Criteria: Invitae Variant Classification Sherloc (09022015). Collection method: clinical testing. Allele origin: germline.
Comment: This variant has not been reported in the literature in individuals with PLEKHG5-related conditions. This variant is not present in population databases (ExAC no frequency). This sequence change replaces aspartic acid with alanine at codon 47 of the PLEKHG5 protein (p.Asp47Ala). The aspartic acid residue is moderately conserved and there is a moderate physicochemical difference between aspartic acid and alanine. Algorithms developed to predict the effect of missense changes on protein structure and function (SIFT, PolyPhen-2, Align-GVGD) all suggest that this variant is likely to be tolerated, but these predictions have not been confirmed by published functional studies and their clinical significance is uncertain. In summary, the available evidence is currently insufficient to determine the role of this variant in disease. Therefore, it has been classified as a Variant of Uncertain Significance.

NM_020631.6(PLEKHG5):c.140A>C (p.Asp47Ala)

Gene: PLEKHG5 (pleckstrin homology and RhoGEF domain containing G5; minus strand). Cytogenetic location: 1p36.31.
Variant type: single nucleotide variant.
Coding change: c.140A>C on transcript NM_020631.6 (MANE Select); coding-DNA position 140, A replaced by C.
Protein change: p.Asp47Ala; replaces aspartic acid 47 with alanine.
Molecular consequence: missense variant.
Genome position (GRCh38, 1-based): chr1:6,475,940, T>G on the plus strand (A>C on the coding strand, the complement: PLEKHG5 is on the minus strand). VCF-style: chr1-6475940-T-G. GRCh37 (hg19) VCF-style: chr1-6536000-T-G.
Other names: c.251A>C, p.Asp84Ala (NM_001042663.3, NM_001265592.2); c.140A>C, p.Asp47Ala (NM_001042664.2, NM_001042665.2, NM_001265594.3 and 1 more transcripts); c.347A>C, p.Asp116Ala (NM_001265593.2); short protein forms D47A, D84A, D116A.
Identifiers: ClinVar variation 1047083 (VCV001047083.9), dbSNP rs1180280762, ClinGen allele CA338141116.